The following is an entry in ClinVar:

ClinVar aggregate classification (germline): Conflicting classifications of pathogenicity. Review status: criteria provided, conflicting classifications (1 of 4 stars). 4 submissions from 4 submitters: Likely pathogenic (3); Uncertain significance (1). Last evaluated 2024-04-03.

Conditions:
Hereditary leiomyomatosis and renal cell cancer. Also called: Familial leiomyomatosis; MULTIPLE CUTANEOUS AND UTERINE LEIOMYOMATA 1, WITH OR WITHOUT RENAL CELL CARCINOMA; FH tumor predisposition syndrome; LEIOMYOMA, MULTIPLE CUTANEOUS; Reed syndrome; Multiple cutaneous and uterine leiomyomatosis. Identifiers: Orphanet 523, MedGen C1708350, MONDO:0007888, OMIM 150800, HP:0007437. Disease mechanism: loss of function.
Fumarase deficiency (FMRD). Also called: Fumarate Hydratase Deficiency; Fumaric aciduria. Identifiers: Orphanet 24, MedGen C0342770, MONDO:0011730, OMIM 606812.

Submissions (4):

Labcorp Genetics (formerly Invitae), Labcorp
Classification: Likely pathogenic. Last evaluated: 2024-04-03. Review status: criteria provided, single submitter. Criteria: Invitae Variant Classification Sherloc (09022015). Collection method: clinical testing. Allele origin: germline.
Comment: This sequence change falls in intron 4 of the FH gene. It does not directly change the encoded amino acid sequence of the FH protein. It affects a nucleotide within the consensus splice site. This variant is not present in population databases (gnomAD no frequency). This variant has been observed in individual(s) with clinical features associated with hereditary leiomyomatosis (Invitae). ClinVar contains an entry for this variant (Variation ID: 432204). Variants that disrupt the consensus splice site are a relatively common cause of aberrant splicing (PMID: 17576681, 9536098). Studies have shown that this variant is associated with altered splicing resulting in multiple RNA products (Invitae). In summary, the currently available evidence indicates that the variant is pathogenic, but additional data are needed to prove that conclusively. Therefore, this variant has been classified as Likely Pathogenic.

Fulgent Genetics
Classification: Likely pathogenic for Hereditary leiomyomatosis and renal cell cancer; Fumarase deficiency. Last evaluated: 2024-03-05. Review status: criteria provided, single submitter. Criteria: ACMG Guidelines, 2015. Collection method: clinical testing. Allele origin: germline.

Blueprint Genetics
Classification: Uncertain significance. Last evaluated: 2022-07-08. Review status: criteria provided, single submitter. Criteria: ACMG Guidelines, 2015. Collection method: clinical testing. Allele origin: germline.

GeneDx
Classification: Likely pathogenic. Last evaluated: 2016-07-02. Review status: criteria provided, single submitter. Criteria: GeneDx Variant Classification (06012015). Collection method: clinical testing. Allele origin: germline. Affected: yes.
Comment: The c.555+5G>C variant has not been published as a pathogenic variant, nor has it been reported as a benign variant to our knowledge. The c.555+5G>C variant was not observed in approximately 6,500 individuals of European and African American ancestry in the NHLBI Exome Sequencing Project, indicating it is not a common benign variant in these populations. Several in-silico splice prediction models predict that c.555+5G>C damages the natural donor site and may lead to abnormal gene splicing. However, in the absence of RNA/functional studies, the actual effect of this sequence change in this individual is unknown. Based on the currently available information, we consider c.555+5G>C to be likely pathogenic. However, the possibility that it is benign cannot be excluded.

Literature cited by the submitters: PubMed 17576681 (cited by Labcorp Genetics (formerly Invitae), Labcorp); PubMed 9536098 (cited by Labcorp Genetics (formerly Invitae), Labcorp).

NM_000143.4(FH):c.555+5G>C

Gene: FH (fumarate hydratase; minus strand). Cytogenetic location: 1q43.
Variant type: single nucleotide variant.
Coding change: c.555+5G>C on transcript NM_000143.4 (MANE Select); 5 bases into the intron after coding-DNA position 555, G replaced by C.
Molecular consequence: intron variant.
Genome position (GRCh38, 1-based): chr1:241,511,962, C>G on the plus strand (G>C on the coding strand, the complement: FH is on the minus strand). VCF-style: chr1-241511962-C-G. GRCh37 (hg19) VCF-style: chr1-241675262-C-G.
Identifiers: ClinVar variation 432204 (VCV000432204.6), dbSNP rs1553341582, ClinGen allele CA645372523.
Genomic context (GRCh38, chr1:241,511,962, plus strand): 5'-ACAAGAACAATCTCAGGTATGCTTTTCAATTTATAACCAAAAAACAGCAAAGCTCACATA[C>G]TGACCTGGCTTTTATTAACATGATCGTTGGGATGCACAGGTATCTTGCTGCCAAGTTCAC-3'